The following is an entry in ClinVar:

NM_000888.5(ITGB6):c.1693T>C (p.Cys565Arg)

Gene: ITGB6 (integrin subunit beta 6; minus strand). Cytogenetic location: 2q24.2.
Variant type: single nucleotide variant.
Coding change: c.1693T>C on transcript NM_000888.5 (MANE Select); coding-DNA position 1693, T replaced by C.
Protein change: p.Cys565Arg; replaces cysteine 565 with arginine.
Molecular consequence: missense variant. On other transcripts: intron variant (1).
Genome position (GRCh38, 1-based): chr2:160,126,569, A>G on the plus strand (T>C on the coding strand, the complement: ITGB6 is on the minus strand). VCF-style: chr2-160126569-A-G. GRCh37 (hg19) VCF-style: chr2-160983080-A-G.
Other names: c.1693T>C, p.Cys565Arg (NM_001282353.2); c.1408T>C, p.Cys470Arg (NM_001282354.2); c.1567T>C, p.Cys523Arg (NM_001282388.2); c.1474T>C, p.Cys492Arg (NM_001282389.2); c.1279T>C, p.Cys427Arg (NM_001282390.2); c.1660+10865T>C (NM_001282355.2); short protein forms C427R, C470R, C492R, C523R, C565R.
Identifiers: ClinVar variation 4813982 (VCV004813982.1).

ClinVar aggregate classification (germline): Pathogenic (0 of 4 stars; one submission).

Conditions:
Amelogenesis imperfecta (AI). Also called: Congenital enamel hypoplasia. Identifiers: Orphanet 88661, MedGen C0002452, MONDO:0019507, HP:0000705.

gnomAD v4.1: 2 of 1,613,664 alleles (0.00012%); highest among the groups gnomAD compares: East Asian, 0.0022%; no homozygotes.

Submission:

Dental Genetics Laboratory, Seoul National University School of Dentistry
Classification: Pathogenic for Amelogenesis Imperfecta. Review status: no assertion criteria provided. Collection method: clinical testing. Allele origin: paternal. Inheritance: Autosomal recessive inheritance. Affected: yes.
Comment: The CADD score was 28.4, the PolyPhen‑2 score was 1.000 (indicating probably damaging, sensitivity: 0.00; specificity: 1.00), MutationTaster predicted it to be disease‑causing, and the MutPred score was 0.962, indicating a very high‑confidence pathogenic variant (score >0.8). MutPred also predicted loss of the disulfide linkage at Cys565 with a probability of 0.47 (p = 0.00041).